The following is an entry in ClinVar:

ClinVar aggregate classification (germline): Pathogenic. Review status: criteria provided, multiple submitters, no conflicts (2 of 4 stars). 2 submissions from 2 submitters: Pathogenic (2). Last evaluated 2025-05-11.

Conditions:
Wieacker-Wolff syndrome. Also called: MENTAL RETARDATION, X-LINKED, SYNDROMIC 4; MENTAL RETARDATION, X-LINKED, WITH CONGENITAL CONTRACTURES AND LOW FINGERTIP ARCHES; Miles-Carpenter syndrome; CONTRACTURES OF FEET, MUSCLE ATROPHY, AND OCULOMOTOR APRAXIA; APRAXIA, OCULOMOTOR, WITH CONGENITAL CONTRACTURES AND MUSCLE ATROPHY; Wieacker-Wolff, X-linked recessive. Identifiers: Orphanet 3454, Orphanet 85283, MedGen C0796200, MONDO:0010758, OMIM 314580.

Submissions (2):

GeneDx
Classification: Pathogenic. Last evaluated: 2025-05-11. Review status: criteria provided, single submitter. Criteria: GeneDx Variant Classification Process June 2021. Collection method: clinical testing. Allele origin: germline.
Comment: Frameshift variant predicted to result in protein truncation or nonsense mediated decay in a gene for which loss of function is a known mechanism of disease; Not observed at significant frequency in large population cohorts (gnomAD); This variant is associated with the following publications: (PMID: 37273706, 33619735, 39032379)

Institute of Human Genetics Munich, TUM University Hospital
Classification: Pathogenic for Wieacker-Wolff syndrome. Last evaluated: 2019-04-16. Review status: criteria provided, single submitter. Criteria: Classification criteria August 2017. Collection method: clinical testing. Allele origin: germline, de novo. Inheritance: X-linked inheritance. Affected: yes. Observed: 2 heterozygotes.

NM_018684.4(ZC4H2):c.22_23del (p.Met8fs)

Gene: ZC4H2 (zinc finger C4H2-type containing; minus strand). Cytogenetic location: Xq11.2.
Variant type: Deletion.
Coding change: c.22_23del on transcript NM_018684.4 (MANE Select); coding-DNA positions 22 to 23, 2 bases deleted (AT; older notation c.22_23delAT).
Protein change: p.Met8fs; shifts the reading frame from methionine 8.
Molecular consequence: frameshift variant. On other transcripts: non-coding transcript variant (1), intron variant (2).
Genome position (GRCh38, 1-based): chrX:64,976,355-64,976,356, AT deleted on the plus strand (AT on the coding strand, the reverse complement: ZC4H2 is on the minus strand). VCF-style (leftmost placement, unchanged base first): chrX-64976354-CAT-C. GRCh37 (hg19) VCF-style: chrX-64196234-CAT-C.
Other names: c.22_23del, p.Met8fs (NM_001178033.3); c.-16-54368_-16-54367del (NM_001243804.2); c.-271-54113_-271-54112del (NM_001178032.3); short protein forms M8fs.
Identifiers: ClinVar variation 488641 (VCV000488641.7), dbSNP rs1555945816, ClinGen allele CA658684312.